The following is an entry in ClinVar:

NM_024635.4(NAA35):c.2026C>G (p.Pro676Ala)

Gene: NAA35 (N-alpha-acetyltransferase 35, NatC auxiliary subunit; plus strand). Cytogenetic location: 9q21.33.
Variant type: single nucleotide variant.
Coding change: c.2026C>G on transcript NM_024635.4 (MANE Select); coding-DNA position 2026, C replaced by G.
Protein change: p.Pro676Ala; replaces proline 676 with alanine.
Molecular consequence: missense variant.
Genome position (GRCh38, 1-based): chr9:86,018,810, C>G. VCF-style: chr9-86018810-C-G. GRCh37 (hg19) VCF-style: chr9-88633725-C-G.
Other names: c.2026C>G (NM_024635.3); c.2026C>G, p.Pro676Ala (NM_001321881.2, NM_001321882.2); short protein forms P676A.
Identifiers: ClinVar variation 2906406 (VCV002906406.4), dbSNP rs185346638, ClinGen allele CA5107569.

ClinVar aggregate classification (germline): Uncertain significance. Review status: criteria provided, multiple submitters, no conflicts (2 of 4 stars). 2 submissions from 2 submitters: Uncertain significance (2). Last evaluated 2024-08-27.

Allele frequency attached by ClinVar (database versions not stated): gnomAD exomes below 0.00001; ExAC 0.00002; gnomAD 0.00006; TOPMed 0.00007; ESP Exome Variant Server 0.00008; 1000 Genomes Project 30x 0.00016; 1000 Genomes Project 0.00020.
gnomAD v4.1: 11 of 1,613,756 alleles (0.00068%); highest among the groups gnomAD compares: African/African-American, 0.015%; no homozygotes.

Submissions (2):

Ambry Genetics
Classification: Uncertain significance. Last evaluated: 2024-08-27. Review status: criteria provided, single submitter. Criteria: Ambry Variant Classification Scheme 2023. Collection method: clinical testing. Allele origin: germline.

Labcorp Genetics (formerly Invitae), Labcorp
Classification: Uncertain significance. Last evaluated: 2023-03-13. Review status: criteria provided, single submitter. Criteria: Invitae Variant Classification Sherloc (09022015). Collection method: clinical testing. Allele origin: germline.
Comment: This variant is present in population databases (rs185346638, gnomAD 0.03%). In summary, the available evidence is currently insufficient to determine the role of this variant in disease. Therefore, it has been classified as a Variant of Uncertain Significance. An algorithm developed to predict the effect of missense changes on protein structure and function (PolyPhen-2) suggests that this variant is likely to be tolerated. This variant has not been reported in the literature in individuals affected with NAA35-related conditions. This sequence change replaces proline, which is neutral and non-polar, with alanine, which is neutral and non-polar, at codon 676 of the NAA35 protein (p.Pro676Ala).